The following is an entry in ClinVar:

ClinVar aggregate classification (germline): Pathogenic (1 of 4 stars; one submission).

Conditions:
Sandhoff disease. Also called: GM2-GANGLIOSIDOSIS, TYPE II; HEXOSAMINIDASES A AND B DEFICIENCY; Beta-hexosaminidase-beta-subunit deficiency; GM2 gangliosidosis, type 2; Total hexosaminidase deficiency; Sandhoff-Jatzkewitz-Pilz disease. Identifiers: Orphanet 796, MedGen C0036161, MONDO:0010006, OMIM 268800.

Submission:

Labcorp Genetics (formerly Invitae), Labcorp
Classification: Pathogenic for Sandhoff disease. Last evaluated: 2020-11-25. Review status: criteria provided, single submitter. Criteria: Invitae Variant Classification Sherloc (09022015). Collection method: clinical testing. Allele origin: germline.
Comment: Algorithms developed to predict the effect of sequence changes on RNA splicing suggest that this variant may create or strengthen a splice site, but this prediction has not been confirmed by published transcriptional studies. For these reasons, this variant has been classified as Pathogenic. Retrotransposon insertions including LINE1 (L1), Alu, and SVA (SINE-VNTR-Alu) have been reported to be disease-causing through disruption of either a coding region or splice site (PMID: 19763152, 20307669, 22406018) and loss-of-function variants in HEXB are known to be pathogenic (PMID: 7550345, 18758829). This variant has not been reported in the literature in individuals with HEXB-related conditions. This variant is not present in population databases (ExAC no frequency). This sequence change inserts a large fragment of DNA, likely a transposable element, in exon 9 of the HEXB gene (c.1159_1160ins?), causing a frameshift at codon 387 (p.Tyr387fs). The exact size and sequence of the insertion cannot be determined by the current assay. However, the insertion is expected to result in an absent or disrupted protein product.

Literature cited by the submitters: PubMed 19763152; PubMed 20307669; PubMed 22406018; PubMed 7550345; PubMed 18758829.

NM_000521.4(HEXB):c.1159_1160insTTTTTTTTTTTTTTTTTTTNNNNNNNNNNTTTTTCTTTTCCTTTTATTTTATTTTTTGAGACGGAGTCTTGCTCTGTTGTCTGGGTGGAGTGCAGTGGTGCAATCTCGGCTCACTGCAACCTCTTCCTCCCAGGTTGAAGCGGAAACTAGAATCTTTCT (p.Tyr387delinsPhePhePhePhePhePheXaaXaaXaaXaaPhePhePheSerPheTyrPheIlePheTer)

Gene: HEXB (hexosaminidase subunit beta; plus strand). Cytogenetic location: 5q13.3.
Variant type: Insertion.
Coding change: c.1159_1160insTTTTTTTTTTTTTTTTTTTNNNNNNNNNNTTTTTCTTTTCCTTTTATTTTATTTTTTGAGACGGAGTCTTGCTCTGTTGTCTGGGTGGAGTGCAGTGGTGCAATCTCGGCTCACTGCAACCTCTTCCTCCCAGGTTGAAGCGGAAACTAGAATCTTTCT on transcript NM_000521.4 (MANE Select); coding-DNA positions 1159 to 1160, TTTTTTTTTTTTTTTTTTTNNNNNNNNNNTTTTTCTTTTCCTTTTATTTTATTTTTTGAGACGGAGTCTTGCTCTGTTGTCTGGGTGGAGTGCAGTGGTGCAATCTCGGCTCACTGCAACCTCTTCCTCCCAGGTTGAAGCGGAAACTAGAATCTTTCT inserted.
Protein change: p.Tyr387delinsPhePhePhePhePhePheXaaXaaXaaXaaPhePhePheSerPheTyrPheIlePheTer.
Molecular consequence: nonsense.
Genome position: GRCh38: chr5:74,716,663-74,716,664. GRCh37 (hg19): chr5:74,012,488-74,012,489.
Other names: c.484_485insTTTTTTTTTTTTTTTTTTTNNNNNNNNNNTTTTTCTTTTCCTTTTATTTTATTTTTTGAGACGGAGTCTTGCTCTGTTGTCTGGGTGGAGTGCAGTGGTGCAATCTCGGCTCACTGCAACCTCTTCCTCCCAGGTTGAAGCGGAAACTAGAATCTTTCT, p.Tyr162delinsPhePhePhePhePhePheXaaXaaXaaXaaPhePhePheSerPheTyrPheIlePheTer (NM_001292004.2).
Identifiers: ClinVar variation 1450108 (VCV001450108.6), dbSNP rs2112177114.